The following is an entry in ClinVar:

NM_000093.5(COL5A1):c.67CTG[5] (p.Leu28del)

Gene: COL5A1 (collagen type V alpha 1 chain; plus strand). Cytogenetic location: 9q34.3.
Variant type: Microsatellite.
Coding change: c.67CTG[5] on transcript NM_000093.5 (MANE Select); five copies in a row of the 3-base unit CTG starting at c.67; the reference has six copies in a row; one copy, 3 bases deleted.
Protein change: p.Leu28del; deletes leucine 28.
Molecular consequence: inframe deletion.
Genome position (GRCh38, 1-based): chr9:134,642,269-134,642,271, CTG deleted; deleting any 3 consecutive bases within chr9:134,642,253-134,642,271 gives the same sequence; the position shown is the placement nearest the transcript's 3' end. VCF-style (leftmost placement, unchanged base first): chr9-134642252-CGCT-C. GRCh37 (hg19) VCF-style: chr9-137534098-CGCT-C.
Other names: c.82_84delCTG (NM_000093.3, NM_000093.4); c.67CTG[5], p.Leu28del (NM_001278074.1); short protein forms L28del.
Identifiers: ClinVar variation 570337 (VCV000570337.17), dbSNP rs773994971, ClinGen allele CA5318183.

ClinVar aggregate classification (germline): Conflicting classifications of pathogenicity. Review status: criteria provided, conflicting classifications (1 of 4 stars). 6 submissions from 6 submitters: Uncertain significance (1); Benign (1); Likely benign (2). 2 of the submissions do not count toward it. Last evaluated 2024-11-26.

Conditions:
Ehlers-Danlos syndrome, classic type, 1 (EDSCL1). Also called: Ehlers-Danlos Syndrome, Classic Type, COL5A1-Related; EHLERS-DANLOS SYNDROME, GRAVIS TYPE; EHLERS-DANLOS SYNDROME, SEVERE CLASSIC TYPE; EDS I; Ehlers-Danlos syndrome, type 1. Identifiers: MedGen C0268335, MONDO:0019567, OMIM 130000.
Familial thoracic aortic aneurysm and aortic dissection (TAAD). Also called: Thoracic aortic aneurysms and dissections. Identifiers: Orphanet 91387, MedGen C4707243, MONDO:0019625.

Submissions (6):

Blueprint Genetics
Classification: Likely benign. Last evaluated: 2024-11-26. Review status: criteria provided, single submitter. Criteria: ACMG Guidelines, 2015. Collection method: clinical testing. Allele origin: germline.

Ambry Genetics
Classification: Benign for Familial thoracic aortic aneurysm and aortic dissection. Last evaluated: 2024-11-05. Review status: criteria provided, single submitter. Criteria: Ambry Variant Classification Scheme 2023. Collection method: clinical testing. Allele origin: germline.

Labcorp Genetics (formerly Invitae), Labcorp
Classification: Uncertain significance for Ehlers-Danlos syndrome, classic type, 1. Last evaluated: 2022-01-29. Review status: criteria provided, single submitter. Criteria: Invitae Variant Classification Sherloc (09022015). Collection method: clinical testing. Allele origin: germline.
Comment: This variant, c.82_84del, results in the deletion of 1 amino acid(s) of the COL5A1 protein (p.Leu28del), but otherwise preserves the integrity of the reading frame. The frequency data for this variant in the population databases is considered unreliable, as metrics indicate poor data quality at this position in the gnomAD database. This variant has not been reported in the literature in individuals affected with COL5A1-related conditions. ClinVar contains an entry for this variant (Variation ID: 570337). Experimental studies and prediction algorithms are not available or were not evaluated, and the functional significance of this variant is currently unknown. In summary, the available evidence is currently insufficient to determine the role of this variant in disease. Therefore, it has been classified as a Variant of Uncertain Significance.

GeneDx
Classification: Likely benign. Last evaluated: 2019-08-28. Review status: criteria provided, single submitter. Criteria: GeneDx Variant Classification Process June 2021. Collection method: clinical testing. Allele origin: germline. Affected: yes.

Genome Diagnostics Laboratory, Amsterdam University Medical Center
Classification: Benign. Review status: no assertion criteria provided. Collection method: clinical testing. Allele origin: germline. Affected: yes. Study: VKGL Data-share Consensus. Not counted in ClinVar's aggregate classification.

Genome Diagnostics Laboratory, University Medical Center Utrecht
Classification: Likely benign. Review status: no assertion criteria provided. Collection method: clinical testing. Allele origin: germline. Affected: yes. Study: VKGL Data-share Consensus. Not counted in ClinVar's aggregate classification.